The following is an entry in ClinVar:

ClinVar aggregate classification (germline): Uncertain significance. Review status: criteria provided, multiple submitters, no conflicts (2 of 4 stars). 3 submissions from 3 submitters: Uncertain significance (3). Last evaluated 2022-11-07.

Conditions:
Inborn genetic diseases. Identifiers: MedGen C0950123, MeSH D030342.
Dystonic disorder. Also called: Dystonia. Identifiers: MedGen C0013421, MONDO:0003441, HP:0001332.

Allele frequency attached by ClinVar (database versions not stated): ExAC 0.00001; gnomAD 0.00001; gnomAD exomes 0.00001 and 0.00002; TOPMed 0.00001.
gnomAD v4.1: 11 of 1,612,946 alleles (0.00068%); highest among the groups gnomAD compares: East Asian, 0.0067%; no homozygotes.

Submissions (3):

Ambry Genetics
Classification: Uncertain significance for Inborn genetic diseases. Last evaluated: 2022-11-07. Review status: criteria provided, single submitter. Criteria: Ambry Variant Classification Scheme 2023. Collection method: clinical testing. Allele origin: germline.

Labcorp Genetics (formerly Invitae), Labcorp
Classification: Uncertain significance for Dystonic disorder. Last evaluated: 2022-03-13. Review status: criteria provided, single submitter. Criteria: Invitae Variant Classification Sherloc (09022015). Collection method: clinical testing. Allele origin: germline.
Comment: This sequence change replaces arginine, which is basic and polar, with glutamine, which is neutral and polar, at codon 305 of the ANO3 protein (p.Arg305Gln). In summary, the available evidence is currently insufficient to determine the role of this variant in disease. Therefore, it has been classified as a Variant of Uncertain Significance. Advanced modeling of protein sequence and biophysical properties (such as structural, functional, and spatial information, amino acid conservation, physicochemical variation, residue mobility, and thermodynamic stability) performed at Invitae indicates that this missense variant is expected to disrupt ANO3 protein function. ClinVar contains an entry for this variant (Variation ID: 546184). This variant has not been reported in the literature in individuals affected with ANO3-related conditions. This variant is present in population databases (rs772297446, gnomAD 0.01%).

GeneDx
Classification: Uncertain significance. Last evaluated: 2018-05-10. Review status: criteria provided, single submitter. Criteria: GeneDx Variant Classification (06012015). Collection method: clinical testing. Allele origin: germline. Affected: yes.
Comment: The R305Q variant in the ANO3 gene has not been reported previously as a pathogenic variant, nor as a benign variant, to our knowledge. The R305Q variant is observed in 2/18858 (0.011%) alleles from individuals of East Asian background, and 5/276674 (0.002%) alleles from the global data set in large population cohorts (Lek et al., 2016). The R305Q variant is a semi-conservative amino acid substitution, which may impact secondary protein structure as these residues differ in some properties. In silico analyses, including protein predictors and evolutionary conservation, support a deleterious effect. We interpret R305Q as a variant of uncertain significance.

NM_031418.4(ANO3):c.914G>A (p.Arg305Gln)

Gene: ANO3 (anoctamin 3; plus strand). Cytogenetic location: 11p14.2.
Variant type: single nucleotide variant.
Coding change: c.914G>A on transcript NM_031418.4 (MANE Select); coding-DNA position 914, G replaced by A.
Protein change: p.Arg305Gln; replaces arginine 305 with glutamine.
Molecular consequence: missense variant.
Genome position (GRCh38, 1-based): chr11:26,534,500, G>A. VCF-style: chr11-26534500-G-A. GRCh37 (hg19) VCF-style: chr11-26556047-G-A.
Other names: c.1097G>A, p.Arg366Gln (NM_001313726.2); c.476G>A, p.Arg159Gln (NM_001313727.2); short protein forms R305Q, R366Q, R159Q.
Identifiers: ClinVar variation 546184 (VCV000546184.7), dbSNP rs772297446, ClinGen allele CA5925721.